The following is an entry in ClinVar:

ClinVar aggregate classification (germline): Likely pathogenic (3 of 4 stars; one submission).

Conditions:
Immunodeficiency 14 (IMD14A). Also called: p110-DELTA-ACTIVATING MUTATION CAUSING SENESCENT T CELLS, LYMPHADENOPATHY, AND IMMUNODEFICIENCY; IMMUNODEFICIENCY 14A WITH LYMPHOPROLIFERATION, AUTOSOMAL DOMINANT; ACTIVATED PI3K-DELTA SYNDROME 1; Activated PI3K Delta Syndrome Type 1 (APDS1). Identifiers: Orphanet 397596, Orphanet 693661, MedGen C5907821, MONDO:0014222, OMIM 615513.

Submission:

ClinGen Primary Immune Regulatory Disorders Variant Curation Expert Panel, ClinGen
Classification: Likely pathogenic for Immunodeficiency 14. Last evaluated: 2025-12-19. Review status: reviewed by expert panel. Criteria: ClinGen AbDef ACMG Specifications PIK3CD V1.0.0. Collection method: curation. Allele origin: germline. Inheritance: Autosomal dominant inheritance.
Comment: NM_005026.5(PIK3CD):c.1574A>C (p.Glu525Ala) is a missense variant causing substitution of glutamate with alanine at amino acid 525. Another missense variant at the same position, NM_005026.5(PIK3CD):c.1573G>A (p.Glu525Lys), has a Grantham’s Distance score (56) lower than the current variant of interest (107) and has been previously classified as pathogenic for immunodeficiency 14 by the ClinGen Antibody Deficiencies VCEP (PM5). This variant is absent from gnomAD v4.1.0 (PM2_Supporting). This variant has been reported in at least 1 proband diagnosed with primary immunodeficiency and genotyped by whole exome sequencing excluding causes in other loci, with phenotypes including recurrent lower respiratory tract infections (4 pts), hepatosplenomegaly (4 pts), recurrent herpes infection (3 pts), thrombocytopenia (1 pt), decreased proportion of class-switched memory B cells (1 pt), and increased circulating IgM (0.5 pts), which together are highly specific for APDS (13.5 pts, PMID: 27426521). Additionally, activated T cells from the patient harboring the variant exhibited a 1.4X to 7.9X increase in phosphorylation of AKT at serine 473 and a 1.5X to 4.9X increase in S6 phosphorylation, as demonstrated by western blotting (PMID: 27426521, PP4_Moderate). The variant has been reported to segregate with an APDS phenotype through at least 2 affected meioses from 1 family (PP1_Moderate; PMID: 27426521). The computational predictor REVEL gives a score of 0.393, which is below the ClinGen Antibody Deficiencies VCEP threshold of >0.644 and does not predict a damaging effect on PIK3CD function. The computational predictor CADD gives a PHRED score of 28.0, which is above the ClinGen Antibody Deficiencies VCEP threshold of >25.3 and predicts a deleterious effect on PIK3CD function. Because the two predictors do not agree on a damaging effect, the PP3 code is not met. In summary, this variant meets the criteria to be classified as likely pathogenic for immunodeficiency 14 based on the ACMG/AMP criteria applied, as specified by the ClinGen Antibody Deficiencies VCEP: PM2_Supporting, PM5, PP1_Moderate, and PP4_Moderate. (VCEP specifications version 1.0.0).

NM_005026.5(PIK3CD):c.1574A>C (p.Glu525Ala)

Gene: PIK3CD (phosphatidylinositol-4,5-bisphosphate 3-kinase catalytic subunit delta; plus strand). Cytogenetic location: 1p36.22.
Variant type: single nucleotide variant.
Coding change: c.1574A>C on transcript NM_005026.5 (MANE Select); coding-DNA position 1574, A replaced by C.
Protein change: p.Glu525Ala; replaces glutamic acid 525 with alanine.
Molecular consequence: missense variant.
Genome position (GRCh38, 1-based): chr1:9,720,794, A>C. VCF-style: chr1-9720794-A-C. GRCh37 (hg19) VCF-style: chr1-9780852-A-C.
Other names: NM_005026.5:c.1574A>C; c.1571A>C, p.Glu524Ala (NM_001350234.2, NM_001439206.1); c.1487A>C, p.Glu496Ala (NM_001350235.1); c.1574A>C, p.Glu525Ala (NM_001437546.1, NM_001437547.1, NM_001438338.1); short protein forms E496A, E524A, E525A.
Identifiers: ClinVar variation 4684967 (VCV004684967.1).
Genomic context (GRCh38, chr1:9,720,794, plus strand): 5'-CCCCTCAGCAGCTGCAGCTGCGGGAAATCCTGGAGCGGCGGGGGTCTGGGGAGCTGTATG[A>C]GCACGAGAAGGACCTGGTGTGGAAGCTGCGGCATGAAGTCCAGGAGCACTTCCCGGAGGC-3'
Protein context (NP_005017.3, residues 515-535): LERRGSGELY[Glu525Ala]HEKDLVWKLR